The following is an entry in ClinVar:

ClinVar aggregate classification (germline): Likely benign (1 of 4 stars; one submission).

Allele frequency attached by ClinVar (database versions not stated): TOPMed 0.00002; gnomAD 0.00003 and 0.00004.

Submission:

GeneDx
Classification: Likely benign. Last evaluated: 2016-06-27. Review status: criteria provided, single submitter. Criteria: GeneDx Variant Classification (06012015). Collection method: clinical testing. Allele origin: germline. Affected: yes.
Comment: This variant is considered likely benign or benign based on one or more of the following criteria: it is a conservative change, it occurs at a poorly conserved position in the protein, it is predicted to be benign by multiple in silico algorithms, and/or has population frequency not consistent with disease.

NM_001199107.2(TBC1D24):c.-116+13G>C

Genes: TBC1D24 (TBC1 domain family member 24; plus strand), LOC130058245 (ATAC-STARR-seq lymphoblastoid silent region 7054; plus strand). Cytogenetic location: 16p13.3.
Variant type: single nucleotide variant.
Coding change: c.-116+13G>C on transcript NM_001199107.2 (MANE Select); 13 bases into the intron after 116 bases upstream of the start codon, G replaced by C.
Molecular consequence: intron variant.
Genome position (GRCh38, 1-based): chr16:2,475,183, G>C. VCF-style: chr16-2475183-G-C. GRCh37 (hg19) VCF-style: chr16-2525184-G-C.
Other names: c.-116+13G>C (NM_020705.3).
Identifiers: ClinVar variation 387229 (VCV000387229.1), dbSNP rs1057522733, ClinGen allele CA16608132.